The following is an entry in ClinVar:

NM_206926.2(SELENON):c.658C>T (p.Arg220Trp)

Gene: SELENON (selenoprotein N; plus strand). Cytogenetic location: 1p36.11.
Variant type: single nucleotide variant.
Coding change: c.658C>T on transcript NM_206926.2 (MANE Select); coding-DNA position 658, C replaced by T.
Protein change: p.Arg220Trp; replaces arginine 220 with tryptophan.
Molecular consequence: missense variant.
Genome position (GRCh38, 1-based): chr1:25,809,038, C>T. VCF-style: chr1-25809038-C-T. GRCh37 (hg19) VCF-style: chr1-26135529-C-T.
Other names: c.760C>T, p.Arg254Trp (NM_020451.3); short protein forms R254W, R220W.
Identifiers: ClinVar variation 572467 (VCV000572467.13), dbSNP rs374195814, ClinGen allele CA696640.
Genomic context (GRCh38, chr1:25,809,038, plus strand): 5'-GGCCCAGCGGGACCCAGCAAGCCAGTACGTGCCTCCCGCCGCCCCCAGGTCATCATCCAC[C>T]GGCTCCTGAGCATGTTCCACCCTCGGCCCTTTGTGAAGACCCGCTTTGCCCCTCAGGGAG-3'
Protein context (NP_996809.1, residues 210-230): PPKGKEVIIH[Arg220Trp]LLSMFHPRPF

ClinVar aggregate classification (germline): Uncertain significance. Review status: criteria provided, multiple submitters, no conflicts (2 of 4 stars). 5 submissions from 5 submitters: Uncertain significance (5). Last evaluated 2025-04-15.

Conditions:
Inborn genetic diseases. Identifiers: MedGen C0950123, MeSH D030342.
Eichsfeld type congenital muscular dystrophy (CMYO3). Also called: MYOPATHY, SEPN1-RELATED; Rigid spine muscular dystrophy 1; SELENON-related myopathy; Congenital myopathy 3 with rigid spine. Identifiers: MedGen C0410180, MONDO:0100100, OMIM 602771.

Allele frequency attached by ClinVar (database versions not stated): TOPMed 0.00003; 1000 Genomes Project 30x 0.00016; 1000 Genomes Project 0.00020.
gnomAD v4.1: 98 of 1,613,744 alleles (0.0061%); highest among the groups gnomAD compares: Middle Eastern, 0.016%; no homozygotes.

Submissions (5):

Ambry Genetics
Classification: Uncertain significance for Inborn genetic diseases. Last evaluated: 2025-04-15. Review status: criteria provided, single submitter. Criteria: Ambry Variant Classification Scheme 2023. Collection method: clinical testing. Allele origin: germline.

Revvity Omics, Revvity
Classification: Uncertain significance for Eichsfeld type congenital muscular dystrophy. Last evaluated: 2024-08-30. Review status: criteria provided, single submitter. Criteria: ACMG Guidelines, 2015. Collection method: clinical testing. Allele origin: germline.

Labcorp Genetics (formerly Invitae), Labcorp
Classification: Uncertain significance for Eichsfeld type congenital muscular dystrophy. Last evaluated: 2023-12-06. Review status: criteria provided, single submitter. Criteria: Invitae Variant Classification Sherloc (09022015). Collection method: clinical testing. Allele origin: germline.
Comment: This sequence change replaces arginine, which is basic and polar, with tryptophan, which is neutral and slightly polar, at codon 254 of the SELENON protein (p.Arg254Trp). This variant is present in population databases (rs374195814, gnomAD 0.01%). This variant has not been reported in the literature in individuals affected with SELENON-related conditions. ClinVar contains an entry for this variant (Variation ID: 572467). Advanced modeling of protein sequence and biophysical properties (such as structural, functional, and spatial information, amino acid conservation, physicochemical variation, residue mobility, and thermodynamic stability) has been performed at Invitae for this missense variant, however the output from this modeling did not meet the statistical confidence thresholds required to predict the impact of this variant on SELENON protein function. In summary, the available evidence is currently insufficient to determine the role of this variant in disease. Therefore, it has been classified as a Variant of Uncertain Significance.

Department of Pathology and Laboratory Medicine, Sinai Health System
Classification: Uncertain significance for Eichsfeld type congenital muscular dystrophy. Last evaluated: 2021-12-07. Review status: criteria provided, single submitter. Criteria: ACMG Guidelines, 2015. Collection method: research. Allele origin: germline.

GeneDx
Classification: Uncertain significance. Last evaluated: 2019-07-25. Review status: criteria provided, single submitter. Criteria: GeneDx Variant Classification Process June 2021. Collection method: clinical testing. Allele origin: germline. Affected: yes.
Comment: Not observed at a significant frequency in large population cohorts (Lek et al., 2016); In silico analysis, which includes protein predictors and evolutionary conservation, supports a deleterious effect; Has not been previously published as pathogenic or benign to our knowledge